The following is an entry in ClinVar:

Conditions:
Breast-ovarian cancer, familial, susceptibility to, 1 (BROVCA1). Also called: BRCA1 Hereditary Breast and Ovarian Cancer; OVARIAN CANCER, SUSCEPTIBILITY TO. Identifiers: Orphanet 145, MedGen C2676676, MONDO:0011450, OMIM 604370. Disease mechanism: loss of function.

Submission:

Brotman Baty Institute, University of Washington
No classification provided (evidence only). Condition: Breast-ovarian cancer, familial 1. Review status: no classification provided. Collection method: in vitro. Allele origin: not applicable. Functional consequence: functionally_normal.
ClinVar note: "not provided" was previously submitted as the classification for the variant. However, the classification appeared to be based only on an observation of functional data so it was converted to no classification on 2025-07-30.

NM_007294.4(BRCA1):c.-19-3A>T

Gene: BRCA1 (BRCA1 DNA repair associated; minus strand). Cytogenetic location: 17q21.31.
Variant type: single nucleotide variant.
Coding change: c.-19-3A>T on transcript NM_007294.4 (MANE Select); 3 bases into the intron before 19 bases upstream of the start codon, A replaced by T.
Molecular consequence: intron variant.
Genome position (GRCh38, 1-based): chr17:43,124,118, T>A on the plus strand (A>T on the coding strand, the complement: BRCA1 is on the minus strand). VCF-style: chr17-43124118-T-A. GRCh37 (hg19) VCF-style: chr17-41276135-T-A.
Other names: c.-106-3A>T (NM_007297.4); c.-19-3A>T (NM_007299.4, NM_007300.4).
Identifiers: ClinVar variation 867640 (VCV000867640.2), dbSNP rs273898669, ClinGen allele CA916081180.